The following is an entry in ClinVar:

ClinVar aggregate classification (germline): Uncertain significance (1 of 4 stars; one submission).

Submission:

Labcorp Genetics (formerly Invitae), Labcorp
Classification: Uncertain significance. Last evaluated: 2023-09-12. Review status: criteria provided, single submitter. Criteria: Invitae Variant Classification Sherloc (09022015). Collection method: clinical testing. Allele origin: germline.
Comment: In summary, the available evidence is currently insufficient to determine the role of this variant in disease. Therefore, it has been classified as a Variant of Uncertain Significance. This sequence change falls in intron 96 of the COL7A1 gene. It does not directly change the encoded amino acid sequence of the COL7A1 protein. This variant is not present in population databases (gnomAD no frequency). This variant has not been reported in the literature in individuals affected with COL7A1-related conditions. Algorithms developed to predict the effect of sequence changes on RNA splicing suggest that this variant may disrupt the consensus splice site.

NM_000094.4(COL7A1):c.7381-8G>T

Gene: COL7A1 (collagen type VII alpha 1 chain; minus strand). Cytogenetic location: 3p21.31.
Variant type: single nucleotide variant.
Coding change: c.7381-8G>T on transcript NM_000094.4 (MANE Select); 8 bases into the intron before coding-DNA position 7381, G replaced by T.
Molecular consequence: intron variant.
Genome position (GRCh38, 1-based): chr3:48,570,342, C>A on the plus strand (G>T on the coding strand, the complement: COL7A1 is on the minus strand). VCF-style: chr3-48570342-C-A. GRCh37 (hg19) VCF-style: chr3-48607775-C-A.
Identifiers: ClinVar variation 2760410 (VCV002760410.3), dbSNP rs2043828777, ClinGen allele CA1363079655.
Genomic context (GRCh38, chr3:48,570,342, plus strand): 5'-CCTGGCTCCCCACGCTCGCCTCGGGGCCCAGGCAGCCCTACTCCAGGGTCTCCCTGGAGA[C>A]CAACAGGACACCGGGGATCAGTGAGGGGAATCAGTGGGGGACGCAGGGTCATGGGAGGTC-3'